The following is an entry in ClinVar:

ClinVar aggregate classification (germline): Uncertain significance. Review status: criteria provided, multiple submitters, no conflicts (2 of 4 stars). 4 submissions from 4 submitters: Uncertain significance (4). Last evaluated 2025-04-11.

Conditions:
Hereditary cancer-predisposing syndrome. Also called: Hereditary neoplastic syndrome; Tumor predisposition; Neoplastic Syndromes, Hereditary; Hereditary Cancer Syndrome. Identifiers: Orphanet 140162, MedGen C0027672, MeSH D009386, MONDO:0015356.
Familial adenomatous polyposis 1 (FAP1). Also called: FAMILIAL ADENOMATOUS POLYPOSIS 1, ATTENUATED; POLYPOSIS, ADENOMATOUS INTESTINAL. Identifiers: MedGen C2713442, MONDO:0021056, OMIM 175100. Disease mechanism: loss of function.

Allele frequency attached by ClinVar (database versions not stated): gnomAD exomes below 0.00001; TOPMed 0.00001.
gnomAD v4.1: 1 of 1,613,828 alleles (0.000062%); highest among the groups gnomAD compares: Admixed American, 0.0017%; no homozygotes.

Submissions (4):

GeneDx
Classification: Uncertain significance. Last evaluated: 2025-04-11. Review status: criteria provided, single submitter. Criteria: GeneDx Variant Classification Process June 2021. Collection method: clinical testing. Allele origin: germline. Affected: yes.
Comment: Not observed at significant frequency in large population cohorts (gnomAD); In silico analysis indicates that this missense variant does not alter protein structure/function; Has not been previously published as pathogenic or benign to our knowledge; This variant is associated with the following publications: (PMID: 18199528)

Labcorp Genetics (formerly Invitae), Labcorp
Classification: Uncertain significance for Familial adenomatous polyposis 1. Last evaluated: 2024-09-12. Review status: criteria provided, single submitter. Criteria: Invitae Variant Classification Sherloc (09022015). Collection method: clinical testing. Allele origin: germline.
Comment: This sequence change replaces glycine, which is neutral and non-polar, with valine, which is neutral and non-polar, at codon 2250 of the APC protein (p.Gly2250Val). This variant is present in population databases (no rsID available, gnomAD 0.007%). This variant has not been reported in the literature in individuals affected with APC-related conditions. ClinVar contains an entry for this variant (Variation ID: 953141). Invitae Evidence Modeling of protein sequence and biophysical properties (such as structural, functional, and spatial information, amino acid conservation, physicochemical variation, residue mobility, and thermodynamic stability) indicates that this missense variant is not expected to disrupt APC protein function with a negative predictive value of 95%. In summary, the available evidence is currently insufficient to determine the role of this variant in disease. Therefore, it has been classified as a Variant of Uncertain Significance.

Ambry Genetics
Classification: Uncertain significance for Hereditary cancer-predisposing syndrome. Last evaluated: 2024-03-14. Review status: criteria provided, single submitter. Criteria: Ambry Variant Classification Scheme 2023. Collection method: clinical testing. Allele origin: germline.
Comment: The p.G2250V variant (also known as c.6749G>T), located in coding exon 15 of the APC gene, results from a G to T substitution at nucleotide position 6749. The glycine at codon 2250 is replaced by valine, an amino acid with dissimilar properties. This amino acid position is well conserved in available vertebrate species. In addition, in silico predictors for this gene do not accurately predict pathogenicity. Since supporting evidence is limited at this time, the clinical significance of this alteration remains unclear.

Color Diagnostics, LLC DBA Color Health
Classification: Uncertain significance for Hereditary cancer-predisposing syndrome. Last evaluated: 2022-10-06. Review status: criteria provided, single submitter. Criteria: ACMG Guidelines, 2015. Collection method: clinical testing. Allele origin: germline.
Comment: This missense variant replaces glycine with valine at codon 2250 of the APC protein. Computational prediction suggests that this variant may not impact protein structure and function (internally defined REVEL score threshold <= 0.5, PMID: 27666373). To our knowledge, functional studies have not been reported for this variant. This variant has not been reported in individuals affected with hereditary cancer in the literature. This variant has been identified in 1/31376 chromosomes in the general population by the Genome Aggregation Database (gnomAD). The available evidence is insufficient to determine the role of this variant in disease conclusively. Therefore, this variant is classified as a Variant of Uncertain Significance.

NM_000038.6(APC):c.6749G>T (p.Gly2250Val)

Gene: APC (APC regulator of Wnt signaling pathway; plus strand). Cytogenetic location: 5q22.2.
Variant type: single nucleotide variant.
Coding change: c.6749G>T on transcript NM_000038.6 (MANE Select); coding-DNA position 6749, G replaced by T.
Protein change: p.Gly2250Val; replaces glycine 2250 with valine.
Molecular consequence: missense variant.
Genome position (GRCh38, 1-based): chr5:112,842,343, G>T. VCF-style: chr5-112842343-G-T. GRCh37 (hg19) VCF-style: chr5-112178040-G-T.
Other names: c.6749G>T, p.Gly2250Val (NM_001127510.3, NM_001354895.2); c.6695G>T, p.Gly2232Val (NM_001127511.3); c.6803G>T, p.Gly2268Val (NM_001354896.2); c.6779G>T, p.Gly2260Val (NM_001354897.2); c.6674G>T, p.Gly2225Val (NM_001354898.2); c.6665G>T, p.Gly2222Val (NM_001354899.2); c.6626G>T, p.Gly2209Val (NM_001354900.2); c.6572G>T, p.Gly2191Val (NM_001354901.2); and 5 more; short protein forms G2225V, G1967V, G2090V, G2149V, G2159V, G2222V, G2124V, G2191V.
Identifiers: ClinVar variation 953141 (VCV000953141.16), dbSNP rs1247815306, ClinGen allele CA16036083.